The following is an entry in ClinVar:

ClinVar aggregate classification (germline): Uncertain significance. Review status: criteria provided, multiple submitters, no conflicts (2 of 4 stars). 2 submissions from 2 submitters: Uncertain significance (2). Last evaluated 2023-05-20.

Conditions:
Myeloproliferative neoplasm, unclassifiable. Identifiers: Orphanet 86830, MedGen C1333046, MONDO:0019452.
Agammaglobulinemia 8, autosomal dominant (AGM8A). Also called: AGAMMAGLOBULINEMIA 8A, AUTOSOMAL DOMINANT; AGAMMAGLOBULINEMIA, AUTOSOMAL DOMINANT, DUE TO TCF3 DEFECT. Identifiers: MedGen C4310786, MONDO:0014840, OMIM 616941.

gnomAD v4.1: 6 of 1,536,702 alleles (0.00039%); highest among the groups gnomAD compares: South Asian, 0.005%; no homozygotes.

Submissions (2):

Neuberg Centre For Genomic Medicine, NCGM
Classification: Uncertain significance for Agammaglobulinemia 8, autosomal dominant. Last evaluated: 2023-05-20. Review status: criteria provided, single submitter. Criteria: ACMG Guidelines, 2015. Collection method: clinical testing. Allele origin: germline. Inheritance: Autosomal dominant inheritance. Affected: yes.
Comment: The missense c.632C>A (p.Pro211His) variant in the TCF3 gene has not been reported previously as a pathogenic variant nor as a benign variant, to our knowledge. This variant is reported with the allele frequency (0.002%) in the gnomAD Exomes. This variant has been reported to the ClinVar database as Uncertain Significance. However, no details are available for independent assessment. The amino acid Proline at position 211 is changed to a Histidine changing protein sequence and it might alter its composition and physico-chemical properties. Computational evidence (Polyphen - Damaging, SIFT - Damaging and MutationTaster - Disease causing) predicts conflicting evidence on protein structure and function for this variant. The amino acid change p.Pro211His in TCF3 is predicted as conserved by GERP++ and PhyloP across 100 vertebrates. For these reasons, this variant has been classified as Uncertain Significance.

Dept. of Cytogenetics, ICMR- National Institute of Immunohaematology
Classification: Uncertain significance for Myeloproliferative neoplasm, unclassifiable. Last evaluated: 2022-08-25. Review status: criteria provided, single submitter. Criteria: Oncogenicity SOP (ClinGen, CGC, VICC guidelines) 2022. Collection method: clinical testing. Allele origin: somatic. Affected: yes. Observed: 1 variant allele.

NM_003200.5(TCF3):c.632C>A (p.Pro211His)

Gene: TCF3 (transcription factor 3; minus strand). Cytogenetic location: 19p13.3.
Variant type: single nucleotide variant.
Coding change: c.632C>A on transcript NM_003200.5 (MANE Select); coding-DNA position 632, C replaced by A.
Protein change: p.Pro211His; replaces proline 211 with histidine.
Molecular consequence: missense variant.
Genome position (GRCh38, 1-based): chr19:1,622,333, G>T on the plus strand (C>A on the coding strand, the complement: TCF3 is on the minus strand). VCF-style: chr19-1622333-G-T. GRCh37 (hg19) VCF-style: chr19-1622332-G-T.
Other names: c.632C>A, p.Pro211His (NM_001136139.4, NM_001351778.2, NM_001351779.2); short protein forms P211H.
Identifiers: ClinVar variation 1705895 (VCV001705895.3), dbSNP rs551790548, ClinGen allele CA403056072.